The following is an entry in ClinVar:

NM_078470.6(COX15):c.743C>T (p.Pro248Leu)

Gene: COX15 (cytochrome c oxidase assembly homolog COX15; minus strand). Cytogenetic location: 10q24.2.
Variant type: single nucleotide variant.
Coding change: c.743C>T on transcript NM_078470.6 (MANE Select); coding-DNA position 743, C replaced by T.
Protein change: p.Pro248Leu; replaces proline 248 with leucine.
Molecular consequence: missense variant. On other transcripts: non-coding transcript variant (1).
Genome position (GRCh38, 1-based): chr10:99,723,963, G>A on the plus strand (C>T on the coding strand, the complement: COX15 is on the minus strand). VCF-style: chr10-99723963-G-A. GRCh37 (hg19) VCF-style: chr10-101483720-G-A.
Other names: c.743C>T, p.Pro248Leu (NM_001320974.2, NM_001320975.2, NM_001372024.1 and 5 more transcripts); c.206C>T, p.Pro69Leu (NM_001320976.2); short protein forms P69L, P248L.
Identifiers: ClinVar variation 2168302 (VCV002168302.1), dbSNP rs372256836, ClinGen allele CA5642198.

ClinVar aggregate classification (germline): Uncertain significance (1 of 4 stars; one submission).

Allele frequency attached by ClinVar (database versions not stated): ExAC 0.00001; gnomAD exomes 0.00001; TOPMed 0.00001; ESP Exome Variant Server 0.00008.
gnomAD v4.1: 16 of 1,613,820 alleles (0.00099%); highest among the groups gnomAD compares: East Asian, 0.0045%; no homozygotes.

Submission:

Labcorp Genetics (formerly Invitae), Labcorp
Classification: Uncertain significance. Last evaluated: 2022-07-21. Review status: criteria provided, single submitter. Criteria: Invitae Variant Classification Sherloc (09022015). Collection method: clinical testing. Allele origin: germline.
Comment: This sequence change replaces proline, which is neutral and non-polar, with leucine, which is neutral and non-polar, at codon 248 of the COX15 protein (p.Pro248Leu). This variant is present in population databases (rs372256836, gnomAD 0.02%). This variant has not been reported in the literature in individuals affected with COX15-related conditions. Algorithms developed to predict the effect of missense changes on protein structure and function are either unavailable or do not agree on the potential impact of this missense change (SIFT: "Not Available"; PolyPhen-2: "Benign"; Align-GVGD: "Not Available"). In summary, the available evidence is currently insufficient to determine the role of this variant in disease. Therefore, it has been classified as a Variant of Uncertain Significance.